The following is an entry in ClinVar:

NM_001701.4(BAAT):c.*1886T>C

Gene: BAAT (bile acid-CoA:amino acid N-acyltransferase; minus strand). Cytogenetic location: 9q31.1.
Variant type: single nucleotide variant.
Coding change: c.*1886T>C on transcript NM_001701.4 (MANE Select); 1886 bases downstream of the stop codon, T replaced by C.
Molecular consequence: 3 prime UTR variant.
Genome position (GRCh38, 1-based): chr9:101,360,542, A>G on the plus strand (T>C on the coding strand, the complement: BAAT is on the minus strand). VCF-style: chr9-101360542-A-G. GRCh37 (hg19) VCF-style: chr9-104122824-A-G.
Other names: c.*1886T>C (NM_001127610.2, NM_001374715.1).
Identifiers: ClinVar variation 364248 (VCV000364248.6), dbSNP rs10123392, ClinGen allele CA10628574.

ClinVar aggregate classification (germline): Benign. Review status: criteria provided, multiple submitters, no conflicts (2 of 4 stars). 2 submissions from 2 submitters: Benign (2). Last evaluated 2018-01-13.

Conditions:
Hypercholanemia, familial 1 (FHCA1). Identifiers: Orphanet 238475, MedGen C5542604, MONDO:0031446, OMIM 607748.

Allele frequency attached by ClinVar (database versions not stated): gnomAD exomes 0.16892; 1000 Genomes Project 0.18011; TOPMed 0.18216; 1000 Genomes Project 30x 0.18395.
gnomAD v4.1: 27,302 of 152,266 alleles (18%); highest among the groups gnomAD compares: African/African-American, 29%; 2,889 homozygotes.

Submissions (2):

Illumina Laboratory Services, Illumina
Classification: Benign for Hypercholanemia, familial 1. Last evaluated: 2018-01-13. Review status: criteria provided, single submitter. Criteria: ICSL Variant Classification Criteria 13 December 2019. Collection method: clinical testing. Allele origin: germline.
Comment: This variant was observed in the ICSL laboratory as part of a predisposition screen in an ostensibly healthy population. It had not been previously curated by ICSL or reported in the Human Gene Mutation Database (HGMD: prior to June 1st, 2018), and was therefore a candidate for classification through an automated scoring system. Utilizing variant allele frequency, disease prevalence and penetrance estimates, and inheritance mode, an automated score was calculated to assess if this variant is too frequent to cause the disease. Based on the score and internal cut-off values, a variant classified as benign is not then subjected to further curation. The score for this variant resulted in a classification of benign for this disease.

Breakthrough Genomics
Classification: Benign. Review status: criteria provided, single submitter. Criteria: ACMG Guidelines, 2015. Collection method: not provided. Allele origin: germline. Inheritance: Autosomal recessive inheritance. Affected: yes.